The following is an entry in ClinVar:

NM_032043.3(BRIP1):c.1744C>T (p.Gln582Ter)

Gene: BRIP1 (BRCA1 interacting DNA helicase 1; minus strand). Cytogenetic location: 17q23.2.
Variant type: single nucleotide variant.
Coding change: c.1744C>T on transcript NM_032043.3 (MANE Select); coding-DNA position 1744, C replaced by T.
Protein change: p.Gln582Ter; replaces glutamine 582 with a stop codon.
Molecular consequence: nonsense.
Genome position (GRCh38, 1-based): chr17:61,780,890, G>A on the plus strand (C>T on the coding strand, the complement: BRIP1 is on the minus strand). VCF-style: chr17-61780890-G-A. GRCh37 (hg19) VCF-style: chr17-59858251-G-A.
Other names: short protein forms Q582*.
Identifiers: ClinVar variation 1779256 (VCV001779256.6), dbSNP rs2145092515, ClinGen allele CA400480345.

ClinVar aggregate classification (germline): Pathogenic. Review status: criteria provided, multiple submitters, no conflicts (2 of 4 stars). 3 submissions from 3 submitters: Pathogenic (3). Last evaluated 2024-10-03.

Conditions:
Hereditary cancer-predisposing syndrome. Also called: Tumor predisposition; Neoplastic Syndromes, Hereditary; Hereditary Cancer Syndrome; Hereditary neoplastic syndrome. Identifiers: Orphanet 140162, MedGen C0027672, MeSH D009386, MONDO:0015356.
Fanconi anemia complementation group J. Also called: BRIP1-Related Fanconi Anemia. Identifiers: Orphanet 84, MedGen C1836860, MONDO:0012187, OMIM 609054.
Familial cancer of breast. Also called: BREAST CANCER, FAMILIAL; Hereditary breast cancer; hereditary breast carcinoma. Identifiers: Orphanet 227535, MedGen C0346153, MONDO:0016419, OMIM 114480. Disease mechanism: loss of function.

Submissions (3):

Labcorp Genetics (formerly Invitae), Labcorp
Classification: Pathogenic for Familial cancer of breast; Fanconi anemia complementation group J. Last evaluated: 2024-10-03. Review status: criteria provided, single submitter. Criteria: Invitae Variant Classification Sherloc (09022015). Collection method: clinical testing. Allele origin: germline.
Comment: This sequence change creates a premature translational stop signal (p.Gln582*) in the BRIP1 gene. It is expected to result in an absent or disrupted protein product. Loss-of-function variants in BRIP1 are known to be pathogenic (PMID: 16116423, 17033622, 21964575). This variant is not present in population databases (gnomAD no frequency). This variant has not been reported in the literature in individuals affected with BRIP1-related conditions. ClinVar contains an entry for this variant (Variation ID: 1779256). For these reasons, this variant has been classified as Pathogenic.

Myriad Genetics, Inc.
Classification: Pathogenic for Familial cancer of breast. Last evaluated: 2023-06-05. Review status: criteria provided, single submitter. Criteria: Myriad Autosomal Dominant, Autosomal Recessive and X-Linked Classification Criteria (2023). Collection method: clinical testing. Allele origin: unknown.
Comment: This variant is considered pathogenic. This variant creates a termination codon and is predicted to result in premature protein truncation.

Ambry Genetics
Classification: Pathogenic for Hereditary cancer-predisposing syndrome. Last evaluated: 2022-08-25. Review status: criteria provided, single submitter. Criteria: Ambry Variant Classification Scheme 2023. Collection method: clinical testing. Allele origin: germline.
Comment: The p.Q582* pathogenic mutation (also known as c.1744C>T), located in coding exon 11 of the BRIP1 gene, results from a C to T substitution at nucleotide position 1744. This changes the amino acid from a glutamine to a stop codon within coding exon 11. This variant is considered to be rare based on population cohorts in the Genome Aggregation Database (gnomAD). This alteration is expected to result in loss of function by premature protein truncation or nonsense-mediated mRNA decay. As such, this alteration is interpreted as a disease-causing mutation.

Literature cited by the submitters: PubMed 16116423 (cited by Labcorp Genetics (formerly Invitae), Labcorp); PubMed 17033622 (cited by Labcorp Genetics (formerly Invitae), Labcorp); PubMed 21964575 (cited by Labcorp Genetics (formerly Invitae), Labcorp).